The following is an entry in ClinVar:

ClinVar aggregate classification (germline): Uncertain significance. Review status: criteria provided, multiple submitters, no conflicts (2 of 4 stars). 4 submissions from 4 submitters: Uncertain significance (4). Last evaluated 2025-03-03.

Conditions:
Inborn genetic diseases. Identifiers: MedGen C0950123, MeSH D030342.

Allele frequency attached by ClinVar (database versions not stated): gnomAD 0.00004 and 0.00007; TOPMed 0.00008; ExAC 0.00011; gnomAD exomes 0.00014; 1000 Genomes Project 30x 0.00062.

Submissions (4):

Ambry Genetics
Classification: Uncertain significance for Inborn genetic diseases. Last evaluated: 2025-03-03. Review status: criteria provided, single submitter. Criteria: Ambry Variant Classification Scheme 2023. Collection method: clinical testing. Allele origin: germline.

GeneDx
Classification: Uncertain significance. Last evaluated: 2022-12-27. Review status: criteria provided, single submitter. Criteria: GeneDx Variant Classification Process June 2021. Collection method: clinical testing. Allele origin: germline. Affected: yes.
Comment: In silico analysis supports that this missense variant does not alter protein structure/function; Has not been previously published as pathogenic or benign to our knowledge

Labcorp Genetics (formerly Invitae), Labcorp
Classification: Uncertain significance. Last evaluated: 2022-03-09. Review status: criteria provided, single submitter. Criteria: Invitae Variant Classification Sherloc (09022015). Collection method: clinical testing. Allele origin: germline.
Comment: This sequence change replaces glycine, which is neutral and non-polar, with arginine, which is basic and polar, at codon 58 of the CDT1 protein (p.Gly58Arg). This variant is present in population databases (rs767926757, gnomAD 0.1%). This variant has not been reported in the literature in individuals affected with CDT1-related conditions. ClinVar contains an entry for this variant (Variation ID: 434670). Algorithms developed to predict the effect of missense changes on protein structure and function output the following: SIFT: "Tolerated"; PolyPhen-2: "Benign"; Align-GVGD: "Class C0". The arginine amino acid residue is found in multiple mammalian species, which suggests that this missense change does not adversely affect protein function. In summary, the available evidence is currently insufficient to determine the role of this variant in disease. Therefore, it has been classified as a Variant of Uncertain Significance.

Genetic Services Laboratory, University of Chicago
Classification: Uncertain significance. Last evaluated: 2015-12-18. Review status: criteria provided, single submitter. Criteria: ACMG Guidelines, 2015. Collection method: clinical testing. Allele origin: germline. Affected: no.

NM_030928.4(CDT1):c.172G>C (p.Gly58Arg)

Gene: CDT1 (chromatin licensing and DNA replication factor 1; plus strand). Cytogenetic location: 16q24.3.
Variant type: single nucleotide variant.
Coding change: c.172G>C on transcript NM_030928.4 (MANE Select); coding-DNA position 172, G replaced by C.
Protein change: p.Gly58Arg; replaces glycine 58 with arginine.
Molecular consequence: missense variant.
Genome position (GRCh38, 1-based): chr16:88,804,003, G>C. VCF-style: chr16-88804003-G-C. GRCh37 (hg19) VCF-style: chr16-88870411-G-C.
Other names: short protein forms G58R.
Identifiers: ClinVar variation 434670 (VCV000434670.13), dbSNP rs767926757, ClinGen allele CA8233502.